The following is an entry in ClinVar:

NM_001458.5(FLNC):c.4826G>A (p.Arg1609Gln)

Gene: FLNC (filamin C; plus strand). Cytogenetic location: 7q32.1.
Variant type: single nucleotide variant.
Coding change: c.4826G>A on transcript NM_001458.5 (MANE Select); coding-DNA position 4826, G replaced by A.
Protein change: p.Arg1609Gln; replaces arginine 1609 with glutamine.
Molecular consequence: missense variant.
Genome position (GRCh38, 1-based): chr7:128,848,881, G>A. VCF-style: chr7-128848881-G-A. GRCh37 (hg19) VCF-style: chr7-128488935-G-A.
Other names: c.4826G>A, p.Arg1609Gln (NM_001127487.2); short protein forms R1609Q.
Identifiers: ClinVar variation 578107 (VCV000578107.10), dbSNP rs1168628508, ClinGen allele CA369203229.

ClinVar aggregate classification (germline): Uncertain significance (1 of 4 stars; one submission).

Conditions:
Distal myopathy with posterior leg and anterior hand involvement. Also called: WILLIAMS DISTAL MYOPATHY. Identifiers: Orphanet 63273, MedGen C3279722, MONDO:0013550, OMIM 614065.
Myofibrillar myopathy 5. Also called: FILAMINOPATHY, AUTOSOMAL DOMINANT; Filaminopathy (type). Identifiers: Orphanet 171445, MedGen C1836050, MONDO:0012289, OMIM 609524.
Hypertrophic cardiomyopathy 26. Also called: Cardiomyopathy, familial hypertrophic, 26. Identifiers: Orphanet 75249, MedGen C4310749, MONDO:0014883, OMIM 617047.

Allele frequency attached by ClinVar (database versions not stated): gnomAD exomes 0.00001.
gnomAD v4.1: 8 of 1,614,020 alleles (0.0005%); highest among the groups gnomAD compares: East Asian, 0.0022%; no homozygotes.

Submission:

Labcorp Genetics (formerly Invitae), Labcorp
Classification: Uncertain significance for Distal myopathy with posterior leg and anterior hand involvement; Myofibrillar myopathy 5; Hypertrophic cardiomyopathy 26. Last evaluated: 2023-07-12. Review status: criteria provided, single submitter. Criteria: Invitae Variant Classification Sherloc (09022015). Collection method: clinical testing. Allele origin: germline.
Comment: This variant has not been reported in the literature in individuals affected with FLNC-related conditions. This variant is not present in population databases (gnomAD no frequency). This sequence change replaces arginine, which is basic and polar, with glutamine, which is neutral and polar, at codon 1609 of the FLNC protein (p.Arg1609Gln). ClinVar contains an entry for this variant (Variation ID: 578107). In summary, the available evidence is currently insufficient to determine the role of this variant in disease. Therefore, it has been classified as a Variant of Uncertain Significance. Advanced modeling of protein sequence and biophysical properties (such as structural, functional, and spatial information, amino acid conservation, physicochemical variation, residue mobility, and thermodynamic stability) has been performed at Invitae for this missense variant, however the output from this modeling did not meet the statistical confidence thresholds required to predict the impact of this variant on FLNC protein function.